The following is an entry in ClinVar:

NM_001164508.2(NEB):c.13132A>T (p.Arg4378Ter)

Gene: NEB (nebulin; minus strand). Cytogenetic location: 2q23.3.
Variant type: single nucleotide variant.
Coding change: c.13132A>T on transcript NM_001164508.2 (MANE Select); coding-DNA position 13132, A replaced by T.
Protein change: p.Arg4378Ter; replaces arginine 4378 with a stop codon.
Molecular consequence: nonsense. On other transcripts: intron variant (1).
Genome position (GRCh38, 1-based): chr2:151,603,700, T>A on the plus strand (A>T on the coding strand, the complement: NEB is on the minus strand). VCF-style: chr2-151603700-T-A. GRCh37 (hg19) VCF-style: chr2-152460214-T-A.
Other names: c.13132A>T, p.Arg4378Ter (NM_001164507.2, NM_001271208.2); c.11601+6109A>T (NM_004543.5); short protein forms R4378*.
Identifiers: ClinVar variation 2105099 (VCV002105099.4), dbSNP rs1189557869, ClinGen allele CA348772386.

ClinVar aggregate classification (germline): Pathogenic (1 of 4 stars; one submission).

Conditions:
Nemaline myopathy 2 (NEM2). Also called: Nemaline myopathy 2, autosomal recessive. Identifiers: MedGen C1850569, MONDO:0009725, OMIM 256030.

Submission:

Labcorp Genetics (formerly Invitae), Labcorp
Classification: Pathogenic for Nemaline myopathy 2. Last evaluated: 2022-03-01. Review status: criteria provided, single submitter. Criteria: Invitae Variant Classification Sherloc (09022015). Collection method: clinical testing. Allele origin: germline.
Comment: This variant occurs in a region of NEB (Exons 82-105) consisting of three highly homologous 8-exon repeat units (exons 82-89, exons 90-97, exons 98-105). Sequence variants in this region can be detected, but this assay cannot determine which of the three repeat units is affected, and zygosity is often ambiguous. All variants in this region are reported relative to the exon 82-89 repeat. For these reasons, this variant has been classified as Pathogenic. This variant has not been reported in the literature in individuals affected with NEB-related conditions. The frequency data for this variant in the population databases (gnomAD) is considered unreliable due to the presence of homologous sequence, such as pseudogenes or paralogs, in the genome. This sequence change creates a premature translational stop signal (p.Arg4378*) in the NEB gene. It is expected to result in an absent or disrupted protein product. Loss-of-function variants in NEB are known to be pathogenic (PMID: 25205138).

Literature cited by the submitters: PubMed 25205138.